The following is an entry in ClinVar:

ClinVar aggregate classification (germline): Uncertain significance. Review status: criteria provided, multiple submitters, no conflicts (2 of 4 stars). 2 submissions from 2 submitters: Uncertain significance (2). Last evaluated 2022-10-11.

Conditions:
Arrhythmogenic right ventricular dysplasia 10. Also called: Arrhythmogenic Right Ventricular Dysplasia/Cardiomyopathy10; ARRHYTHMOGENIC RIGHT VENTRICULAR DYSPLASIA, FAMILIAL, 10; Arrhythmogenic right ventricular dysplasia/cardiomyopathy, type 10. Identifiers: MedGen C1857777, MONDO:0012434, OMIM 610193.
Cardiomyopathy (CMYO). Also called: Cardiomyopathies. Identifiers: Orphanet 167848, MedGen C0878544, MONDO:0004994, HP:0001638. Inheritance: Various modes of inheritance.

Submissions (2):

Color Diagnostics, LLC DBA Color Health
Classification: Uncertain significance for Cardiomyopathy. Last evaluated: 2022-10-11. Review status: criteria provided, single submitter. Criteria: ACMG Guidelines, 2015. Collection method: clinical testing. Allele origin: germline.
Comment: This missense variant replaces asparagine with aspartic acid at codon 330 of the DSG2 protein. Computational prediction is inconclusive regarding the impact of this variant on protein structure and function (internally defined REVEL score threshold 0.5 < inconclusive < 0.7, PMID: 27666373). To our knowledge, functional studies have not been reported for this variant. This variant has been reported in an individual affected with arrhythmogenic right ventricular dysplasia (PMID 18632414). This variant has not been identified in the general population by the Genome Aggregation Database (gnomAD). The available evidence is insufficient to determine the role of this variant in disease conclusively. Therefore, this variant is classified as a Variant of Uncertain Significance.

Labcorp Genetics (formerly Invitae), Labcorp
Classification: Uncertain significance for Arrhythmogenic right ventricular dysplasia 10. Last evaluated: 2020-03-09. Review status: criteria provided, single submitter. Criteria: Invitae Variant Classification Sherloc (09022015). Collection method: clinical testing. Allele origin: germline.
Comment: This sequence change replaces asparagine with aspartic acid at codon 330 of the DSG2 protein (p.Asn330Asp). The asparagine residue is highly conserved and there is a small physicochemical difference between asparagine and aspartic acid. This variant is not present in population databases (ExAC no frequency). This variant has been observed in individual(s) with arrhythmogenic right ventricular cardiomyopathy (PMID: 18632414). However, in that individual pathogenic allele[s] were also identified in DSG2, which suggests that this c.988A>G variant was not the primary cause of disease. Algorithms developed to predict the effect of missense changes on protein structure and function are either unavailable or do not agree on the potential impact of this missense change (SIFT: "Tolerated"; PolyPhen-2: "Probably Damaging"; Align-GVGD: "Class C0"). In summary, the available evidence is currently insufficient to determine the role of this variant in disease. Therefore, it has been classified as a Variant of Uncertain Significance.

Literature cited by the submitters: PubMed 18632414 (cited by Color Diagnostics, LLC DBA Color Health and Labcorp Genetics (formerly Invitae), Labcorp).

NM_001943.5(DSG2):c.988A>G (p.Asn330Asp)

Gene: DSG2 (desmoglein 2; plus strand). Cytogenetic location: 18q12.1.
Variant type: single nucleotide variant.
Coding change: c.988A>G on transcript NM_001943.5 (MANE Select); coding-DNA position 988, A replaced by G.
Protein change: p.Asn330Asp; replaces asparagine 330 with aspartic acid.
Molecular consequence: missense variant.
Genome position (GRCh38, 1-based): chr18:31,524,862, A>G. VCF-style: chr18-31524862-A-G. GRCh37 (hg19) VCF-style: chr18-29104825-A-G.
Other names: short protein forms N330D.
Identifiers: ClinVar variation 1039138 (VCV001039138.9), dbSNP rs1410479706, ClinGen allele CA402135907.